The following is an entry in ClinVar:

ClinVar aggregate classification (germline): Uncertain significance. Review status: criteria provided, multiple submitters, no conflicts (2 of 4 stars). 2 submissions from 2 submitters: Uncertain significance (2). Last evaluated 2024-01-10.

Conditions:
Colorectal cancer, hereditary nonpolyposis, type 7. Identifiers: Orphanet 144, MedGen C1858380, MONDO:0013725, OMIM 614385.

Allele frequency attached by ClinVar (database versions not stated): ExAC 0.00001; gnomAD exomes 0.00002.
gnomAD v4.1: 9 of 1,614,132 alleles (0.00056%); highest among the groups gnomAD compares: Admixed American, 0.013%; no homozygotes.

Submissions (2):

Labcorp Genetics (formerly Invitae), Labcorp
Classification: Uncertain significance for Colorectal cancer, hereditary nonpolyposis, type 7. Last evaluated: 2024-01-10. Review status: criteria provided, single submitter. Criteria: Invitae Variant Classification Sherloc (09022015). Collection method: clinical testing. Allele origin: germline.
Comment: This sequence change replaces leucine, which is neutral and non-polar, with phenylalanine, which is neutral and non-polar, at codon 1106 of the MLH3 protein (p.Leu1106Phe). This variant is present in population databases (rs752409251, gnomAD 0.02%). This variant has not been reported in the literature in individuals affected with MLH3-related conditions. ClinVar contains an entry for this variant (Variation ID: 2497092). An algorithm developed to predict the effect of missense changes on protein structure and function (PolyPhen-2) suggests that this variant is likely to be disruptive. In summary, the available evidence is currently insufficient to determine the role of this variant in disease. Therefore, it has been classified as a Variant of Uncertain Significance.

Ambry Genetics
Classification: Uncertain significance. Last evaluated: 2022-11-17. Review status: criteria provided, single submitter. Criteria: Ambry Variant Classification Scheme 2023. Collection method: clinical testing. Allele origin: germline.
Comment: The p.L1106F variant (also known as c.3316C>T), located in coding exon 2 of the MLH3 gene, results from a C to T substitution at nucleotide position 3316. The leucine at codon 1106 is replaced by phenylalanine, an amino acid with highly similar properties. This amino acid position is conserved. In addition, the in silico prediction for this alteration is inconclusive. Since supporting evidence is limited at this time, the clinical significance of this alteration remains unclear.

NM_001040108.2(MLH3):c.3316C>T (p.Leu1106Phe)

Gene: MLH3 (mutL homolog 3; minus strand). Cytogenetic location: 14q24.3.
Variant type: single nucleotide variant.
Coding change: c.3316C>T on transcript NM_001040108.2 (MANE Select); coding-DNA position 3316, C replaced by T.
Protein change: p.Leu1106Phe; replaces leucine 1106 with phenylalanine.
Molecular consequence: missense variant.
Genome position (GRCh38, 1-based): chr14:75,042,442, G>A on the plus strand (C>T on the coding strand, the complement: MLH3 is on the minus strand). VCF-style: chr14-75042442-G-A. GRCh37 (hg19) VCF-style: chr14-75509145-G-A.
Other names: c.3316C>T, p.Leu1106Phe (NM_014381.3); short protein forms L1106F.
Identifiers: ClinVar variation 2497092 (VCV002497092.5), dbSNP rs752409251, ClinGen allele CA7275534.